The following is an entry in ClinVar:

NM_006231.4(POLE):c.4565A>C (p.Gln1522Pro)

Gene: POLE (DNA polymerase epsilon, catalytic subunit; minus strand). Cytogenetic location: 12q24.33.
Variant type: single nucleotide variant.
Coding change: c.4565A>C on transcript NM_006231.4 (MANE Select); coding-DNA position 4565, A replaced by C.
Protein change: p.Gln1522Pro; replaces glutamine 1522 with proline.
Molecular consequence: missense variant.
Genome position (GRCh38, 1-based): chr12:132,642,983, T>G on the plus strand (A>C on the coding strand, the complement: POLE is on the minus strand). VCF-style: chr12-132642983-T-G. GRCh37 (hg19) VCF-style: chr12-133219569-T-G.
Other names: short protein forms Q1522P.
Identifiers: ClinVar variation 4762420 (VCV004762420.1).
Genomic context (GRCh38, chr12:132,642,983, plus strand): 5'-CCCACCTTCTCCAGGAGGAGGCCGTGCTCTGCTGAGTACAGGGCGCCAAGGCTGGGCATC[T>G]GGTTGCTGCGCACCTAGACCAACGCAGGCCACGTCAGCCTCCCCCTGCGCAGGAGGAAGT-3'
Protein context (NP_006222.2, residues 1512-1532): VFVLDTVRSN[Gln1522Pro]MPSLGALYSA

ClinVar aggregate classification (germline): Uncertain significance (1 of 4 stars; one submission).

gnomAD v4.1: 1 of 1,593,268 alleles (0.000063%); highest among the groups gnomAD compares: South Asian, 0.0011%; no homozygotes.

Submission:

Labcorp Genetics (formerly Invitae), Labcorp
Classification: Uncertain significance. Last evaluated: 2025-09-10. Review status: criteria provided, single submitter. Criteria: Invitae Variant Classification Sherloc (09022015). Collection method: clinical testing. Allele origin: germline.
Comment: This sequence change replaces glutamine, which is neutral and polar, with proline, which is neutral and non-polar, at codon 1522 of the POLE protein (p.Gln1522Pro). This variant is not present in population databases (gnomAD no frequency). This variant has not been reported in the literature in individuals affected with POLE-related conditions. Invitae Evidence Modeling of protein sequence and biophysical properties (such as structural, functional, and spatial information, amino acid conservation, physicochemical variation, residue mobility, and thermodynamic stability) indicates that this missense variant is not expected to disrupt POLE protein function with a negative predictive value of 80%. In summary, the available evidence is currently insufficient to determine the role of this variant in disease. Therefore, it has been classified as a Variant of Uncertain Significance.